The following is an entry in ClinVar:

NM_024757.5(EHMT1):c.2369A>T (p.His790Leu)

Gene: EHMT1 (euchromatic histone lysine methyltransferase 1; plus strand). Cytogenetic location: 9q34.3.
Variant type: single nucleotide variant.
Coding change: c.2369A>T on transcript NM_024757.5 (MANE Select); coding-DNA position 2369, A replaced by T.
Protein change: p.His790Leu; replaces histidine 790 with leucine.
Molecular consequence: missense variant.
Genome position (GRCh38, 1-based): chr9:137,782,384, A>T. VCF-style: chr9-137782384-A-T. GRCh37 (hg19) VCF-style: chr9-140676836-A-T.
Other names: c.2369A>T, p.His790Leu (NM_001145527.2); c.2276A>T, p.His759Leu (NM_001354259.2); c.2348A>T, p.His783Leu (NM_001354263.2); short protein forms H783L, H759L, H790L.
Identifiers: ClinVar variation 1947217 (VCV001947217.5), dbSNP rs1243592908, ClinGen allele CA375783312.

ClinVar aggregate classification (germline): Uncertain significance (1 of 4 stars; one submission).

Conditions:
Kleefstra syndrome 1 (KLEFS1). Identifiers: Orphanet 261494, MedGen C0795833, MONDO:0027407, OMIM 610253.

gnomAD v4.1: 1 of 1,610,732 alleles (0.000062%); highest among the groups gnomAD compares: African/African-American, 0.0013%; no homozygotes.

Submission:

Labcorp Genetics (formerly Invitae), Labcorp
Classification: Uncertain significance for Kleefstra syndrome 1. Last evaluated: 2025-03-01. Review status: criteria provided, single submitter. Criteria: Invitae Variant Classification Sherloc (09022015). Collection method: clinical testing. Allele origin: germline.
Comment: This sequence change replaces histidine, which is basic and polar, with leucine, which is neutral and non-polar, at codon 790 of the EHMT1 protein (p.His790Leu). This variant is not present in population databases (gnomAD no frequency). This variant has not been reported in the literature in individuals affected with EHMT1-related conditions. ClinVar contains an entry for this variant (Variation ID: 1947217). Invitae Evidence Modeling of protein sequence and biophysical properties (such as structural, functional, and spatial information, amino acid conservation, physicochemical variation, residue mobility, and thermodynamic stability) indicates that this missense variant is expected to disrupt EHMT1 protein function with a positive predictive value of 80%. In summary, the available evidence is currently insufficient to determine the role of this variant in disease. Therefore, it has been classified as a Variant of Uncertain Significance.